The following is an entry in ClinVar:

NM_004525.3(LRP2):c.1748C>G (p.Thr583Ser)

Gene: LRP2 (LDL receptor related protein 2; minus strand). Cytogenetic location: 2q31.1.
Variant type: single nucleotide variant.
Coding change: c.1748C>G on transcript NM_004525.3 (MANE Select); coding-DNA position 1748, C replaced by G.
Protein change: p.Thr583Ser; replaces threonine 583 with serine.
Molecular consequence: missense variant.
Genome position (GRCh38, 1-based): chr2:169,277,769, G>C on the plus strand (C>G on the coding strand, the complement: LRP2 is on the minus strand). VCF-style: chr2-169277769-G-C. GRCh37 (hg19) VCF-style: chr2-170134279-G-C.
Other names: short protein forms T583S.
Identifiers: ClinVar variation 1715622 (VCV001715622.4), dbSNP rs1285643505, ClinGen allele CA349145169.

ClinVar aggregate classification (germline): Uncertain significance (1 of 4 stars; one submission).

Allele frequency attached by ClinVar (database versions not stated): TOPMed below 0.00001; gnomAD 0.00001; gnomAD exomes 0.00001.
gnomAD v4.1: 8 of 1,613,908 alleles (0.0005%); highest among the groups gnomAD compares: East Asian, 0.018%; no homozygotes.

Submission:

Labcorp Genetics (formerly Invitae), Labcorp
Classification: Uncertain significance. Last evaluated: 2022-09-27. Review status: criteria provided, single submitter. Criteria: Invitae Variant Classification Sherloc (09022015). Collection method: clinical testing. Allele origin: germline.
Comment: In summary, the available evidence is currently insufficient to determine the role of this variant in disease. Therefore, it has been classified as a Variant of Uncertain Significance. Advanced modeling of protein sequence and biophysical properties (such as structural, functional, and spatial information, amino acid conservation, physicochemical variation, residue mobility, and thermodynamic stability) performed at Invitae indicates that this missense variant is not expected to disrupt LRP2 protein function. This variant has not been reported in the literature in individuals affected with LRP2-related conditions. This variant is not present in population databases (gnomAD no frequency). This sequence change replaces threonine, which is neutral and polar, with serine, which is neutral and polar, at codon 583 of the LRP2 protein (p.Thr583Ser).